The following is an entry in ClinVar:

ClinVar aggregate classification (germline): Uncertain significance. Review status: criteria provided, multiple submitters, no conflicts (2 of 4 stars). 2 submissions from 2 submitters: Uncertain significance (2). Last evaluated 2025-09-21.

Allele frequency attached by ClinVar (database versions not stated): gnomAD exomes 0.00001; ExAC 0.00002; gnomAD 0.00002.
gnomAD v4.1: 16 of 1,613,836 alleles (0.00099%); highest among the groups gnomAD compares: South Asian, 0.0066%; no homozygotes.

Submissions (2):

Labcorp Genetics (formerly Invitae), Labcorp
Classification: Uncertain significance. Last evaluated: 2025-09-21. Review status: criteria provided, single submitter. Criteria: Invitae Variant Classification Sherloc (09022015). Collection method: clinical testing. Allele origin: germline.
Comment: This sequence change replaces serine, which is neutral and polar, with leucine, which is neutral and non-polar, at codon 107 of the ATP6V1A protein (p.Ser107Leu). The frequency data for this variant in the population databases is considered unreliable, as metrics indicate poor data quality at this position in the gnomAD database. This variant has not been reported in the literature in individuals affected with ATP6V1A-related conditions. ClinVar contains an entry for this variant (Variation ID: 2654049). Invitae Evidence Modeling of protein sequence and biophysical properties (such as structural, functional, and spatial information, amino acid conservation, physicochemical variation, residue mobility, and thermodynamic stability) indicates that this missense variant is not expected to disrupt ATP6V1A protein function with a negative predictive value of 80%. In summary, the available evidence is currently insufficient to determine the role of this variant in disease. Therefore, it has been classified as a Variant of Uncertain Significance.

CeGaT Center for Human Genetics Tuebingen
Classification: Uncertain significance. Last evaluated: 2023-04-01. Review status: criteria provided, single submitter. Criteria: CeGaT Center For Human Genetics Tuebingen Variant Classification Criteria Version 2. Collection method: clinical testing. Allele origin: germline. Affected: yes. Observed: 1 variant allele.
Comment: ATP6V1A: PP2

NM_001690.4(ATP6V1A):c.320C>T (p.Ser107Leu)

Gene: ATP6V1A (ATPase H+ transporting V1 subunit A; plus strand). Cytogenetic location: 3q13.31.
Variant type: single nucleotide variant.
Coding change: c.320C>T on transcript NM_001690.4 (MANE Select); coding-DNA position 320, C replaced by T.
Protein change: p.Ser107Leu; replaces serine 107 with leucine.
Molecular consequence: missense variant.
Genome position (GRCh38, 1-based): chr3:113,784,332, C>T. VCF-style: chr3-113784332-C-T. GRCh37 (hg19) VCF-style: chr3-113503179-C-T.
Other names: short protein forms S107L.
Identifiers: ClinVar variation 2654049 (VCV002654049.25), dbSNP rs758889776, ClinGen allele CA2547806.
Genomic context (GRCh38, chr3:113,784,332, plus strand): 5'-CTGTAGAGCTTGGTCCTGGCATTATGGGAGCCATTTTTGATGGTATTCAAAGACCTTTGT[C>T]GGATATCAGCAGTCAGACCCAAAGCATCTACATCCCCAGAGGAGTAAACGTGTCTGCTCT-3'
Protein context (NP_001681.2, residues 97-117): AIFDGIQRPL[Ser107Leu]DISSQTQSIY